The following is an entry in ClinVar:

ClinVar aggregate classification (germline): Uncertain significance. Review status: criteria provided, multiple submitters, no conflicts (2 of 4 stars). 5 submissions from 5 submitters: Uncertain significance (5). Last evaluated 2026-01-24.

Conditions:
Autosomal recessive limb-girdle muscular dystrophy type 2Q (LGMDR17). Also called: MUSCULAR DYSTROPHY, LIMB-GIRDLE, AUTOSOMAL RECESSIVE 17. Identifiers: Orphanet 254361, MedGen C3150989, MONDO:0013390, OMIM 613723.
Epidermolysis bullosa simplex 5C, with pyloric atresia (EBS5C). Also called: Epidermolysis bullosa simplex with pyloric atresia; PLEC-Related Epidermolysis Bullosa with Pyloric Atresia; PLEC1-Related Epidermolysis Bullosa with Pyloric Atresia. Identifiers: Orphanet 158684, MedGen C2677349, MONDO:0012807, OMIM 612138.
Epidermolysis bullosa simplex 5B, with muscular dystrophy (EBS5B). Also called: EPIDERMOLYSIS BULLOSA SIMPLEX AND LIMB-GIRDLE MUSCULAR DYSTROPHY; Epidermolysis bullosa simplex with muscular dystrophy. Identifiers: Orphanet 257, MedGen C2931072, MONDO:0009181, OMIM 226670.
Junctional epidermolysis bullosa with pyloric atresia. Also called: APLASIA CUTIS CONGENITA WITH GASTROINTESTINAL ATRESIA; CARMI SYNDROME; EB-PA-ACC; Epidermolysis bullosa, junctional, with pyloric atresia and aplasia cutis congenita; Epidermolysis bullosa junctionalis with pyloric atresia; ITGB4-Related Epidermolysis Bullosa with Pyloric Atresia. Identifiers: Orphanet 79403, MedGen C5676875, MONDO:0009183, OMIM 226730.
Epidermolysis bullosa simplex with nail dystrophy (EBS5D). Identifiers: MedGen C4225309, MONDO:0014661, OMIM 616487.
Epidermolysis bullosa simplex, Ogna type (EBS5A). Also called: Pidermolysis bullosa simplex 5A, Ogna type; EPIDERMOLYSIS BULLOSA SIMPLEX 5A, OGNA TYPE. Identifiers: Orphanet 79401, MedGen C0432317, MONDO:0007555, OMIM 131950.

Allele frequency attached by ClinVar (database versions not stated): ExAC 0.00003; gnomAD exomes 0.00006; TOPMed 0.00016; gnomAD 0.00020 and 0.00021.
gnomAD v4.1: 65 of 1,613,856 alleles (0.004%); highest among the groups gnomAD compares: African/African-American, 0.043%; no homozygotes.

Submissions (5):

Labcorp Genetics (formerly Invitae), Labcorp
Classification: Uncertain significance for Autosomal recessive limb-girdle muscular dystrophy type 2Q; Epidermolysis bullosa simplex, Ogna type; Epidermolysis bullosa simplex with nail dystrophy; Epidermolysis bullosa simplex 5C, with pyloric atresia; Epidermolysis bullosa simplex 5B, with muscular dystrophy. Last evaluated: 2026-01-24. Review status: criteria provided, single submitter. Criteria: Invitae Variant Classification Sherloc (09022015). Collection method: clinical testing. Allele origin: germline.
Comment: This sequence change replaces glutamic acid, which is acidic and polar, with lysine, which is basic and polar, at codon 3562 of the PLEC protein (p.Glu3562Lys). This variant is present in population databases (rs200034893, gnomAD 0.04%). This variant has not been reported in the literature in individuals affected with PLEC-related conditions. ClinVar contains an entry for this variant (Variation ID: 502449). Invitae Evidence Modeling of protein sequence and biophysical properties (such as structural, functional, and spatial information, amino acid conservation, physicochemical variation, residue mobility, and thermodynamic stability) indicates that this missense variant is not expected to disrupt PLEC protein function with a negative predictive value of 80%. In summary, the available evidence is currently insufficient to determine the role of this variant in disease. Therefore, it has been classified as a Variant of Uncertain Significance.

Athena Diagnostics
Classification: Uncertain significance. Last evaluated: 2022-04-13. Review status: criteria provided, single submitter. Criteria: Athena Diagnostics Criteria. Collection method: clinical testing. Allele origin: unknown.

Department of Pathology and Laboratory Medicine, Sinai Health System
Classification: Uncertain significance for Epidermolysis bullosa simplex, Ogna type; Epidermolysis bullosa simplex 5B, with muscular dystrophy; Junctional epidermolysis bullosa with pyloric atresia; Epidermolysis bullosa simplex 5C, with pyloric atresia; Autosomal recessive limb-girdle muscular dystrophy type 2Q; Epidermolysis bullosa simplex with nail dystrophy. Last evaluated: 2021-11-08. Review status: criteria provided, single submitter. Criteria: ACMG Guidelines, 2015. Collection method: research. Allele origin: germline.

Revvity Omics, Revvity
Classification: Uncertain significance. Last evaluated: 2019-12-16. Review status: criteria provided, single submitter. Criteria: ACMG Guidelines, 2015. Collection method: clinical testing. Allele origin: germline.

Eurofins Ntd Llc (ga)
Classification: Uncertain significance. Last evaluated: 2017-06-07. Review status: criteria provided, single submitter. Criteria: EGL Classification Definitions 2015. Collection method: clinical testing. Allele origin: germline. Observed: 1 variant allele, 1 heterozygote.

NM_201384.3(PLEC):c.10603G>A (p.Glu3535Lys)

Gene: PLEC (plectin; minus strand). Cytogenetic location: 8q24.3.
Variant type: single nucleotide variant.
Coding change: c.10603G>A on transcript NM_201384.3 (MANE Select); coding-DNA position 10603, G replaced by A.
Protein change: p.Glu3535Lys; replaces glutamic acid 3535 with lysine.
Molecular consequence: missense variant.
Genome position (GRCh38, 1-based): chr8:143,919,218, C>T on the plus strand (G>A on the coding strand, the complement: PLEC is on the minus strand). VCF-style: chr8-143919218-C-T. GRCh37 (hg19) VCF-style: chr8-144993386-C-T.
Other names: c.10684G>A, p.Glu3562Lys (NM_000445.5); c.10561G>A, p.Glu3521Lys (NM_201378.4); c.10537G>A, p.Glu3513Lys (NM_201379.3); c.11014G>A, p.Glu3672Lys (NM_201380.4); c.10507G>A, p.Glu3503Lys (NM_201381.3); c.10603G>A, p.Glu3535Lys (NM_201382.4); c.10615G>A, p.Glu3539Lys (NM_201383.3); short protein forms E3503K, E3513K, E3521K, E3535K, E3539K, E3562K, E3672K.
Identifiers: ClinVar variation 502449 (VCV000502449.19), dbSNP rs200034893, ClinGen allele CA4924593.
Genomic context (GRCh38, chr8:143,919,218, plus strand): 5'-TGGTCTCCACCACCTCAGCCTTCTCCGCCCCTTTCAGTGGCAGAAGGCGCAAGCCCGTCT[C>T]GGGGTCCTCCACGCACCGCTCCAGCAGCTGCCTGTACGTGAGGTTCTCATGCGTGTTGGG-3'
Protein context (NP_958786.1, residues 3525-3545): QLLERCVEDP[Glu3535Lys]TGLRLLPLKG